The following continues an entry in ClinVar:

NM_000414.4(HSD17B4):c.46G>A (p.Gly16Ser)

ClinVar aggregate classification (germline): Conflicting classifications of pathogenicity. Pathogenic (19); Likely pathogenic (3); Uncertain significance (1).

Submissions 13 to 30 of 30:

3billion
Classification: Pathogenic for Bifunctional peroxisomal enzyme deficiency. Last evaluated: 2022-09-01. Review status: criteria provided, single submitter. Criteria: ACMG Guidelines, 2015. Collection method: clinical testing. Allele origin: germline. Affected: yes. Observed: 1 homozygote.
Comment: The variant is observed at an extremely low frequency in the gnomAD v2.1.1 dataset (total allele frequency: 0.020%). While this variant results in missense change, protein truncation variants are a common disease-causing mechanism. Functional studies provide strong evidence of the variant having a damaging effect on the gene or gene product (PMID: 10419023 , 10497229 , 9482850). In silico tool predictions suggest damaging effect of the variant on gene or gene product (REVEL: 0.95; 3Cnet: 0.95). The variant has been reported to be in trans with a pathogenic variant as either compound heterozygous or homozygous in at least one similarly affected unrelated individual (PMID: 25967389 , 9482850). Therefore, this variant is classified as Pathogenic according to the recommendation of ACMG/AMP guideline.

Greenwood Genetic Center Diagnostic Laboratories, Greenwood Genetic Center
Classification: Pathogenic for Bifunctional peroxisomal enzyme deficiency. Last evaluated: 2022-06-10. Review status: criteria provided, single submitter. Criteria: ACMG Guidelines, 2015. Collection method: clinical testing. Allele origin: germline. Affected: yes.
Comment: PS3, PM3_Strong, PP3

Genome-Nilou Lab
Classification: Pathogenic for Bifunctional peroxisomal enzyme deficiency. Last evaluated: 2021-07-22. Review status: criteria provided, single submitter. Criteria: ACMG Guidelines, 2015. Collection method: clinical testing. Allele origin: germline. Affected: yes.

Genomic Research Center, Shahid Beheshti University of Medical Sciences
Classification: Pathogenic. Last evaluated: 2020-05-03. Review status: criteria provided, single submitter. Criteria: ACMG Guidelines, 2015. Collection method: clinical testing. Allele origin: unknown. Affected: no.

Myriad Genetics, Inc.
Classification: Likely pathogenic for Bifunctional peroxisomal enzyme deficiency. Last evaluated: 2019-12-26. Review status: criteria provided, single submitter. Criteria: Myriad Women's Health Autosomal Recessive and X-Linked Classification Criteria (2019). Collection method: clinical testing. Allele origin: unknown.
Comment: NM_000414.3(HSD17B4):c.46G>A(G16S) is classified as likely pathogenic in the context of D-bifunctional protein deficiency. Sources cited for classification include the following: PMID 16385454, 9482850, 10419023 and 10497229. Classification of NM_000414.3(HSD17B4):c.46G>A(G16S) is based on the following criteria: This variant has been observed more frequently in patients with clinical diagnoses than in healthy populations. Please note: this variant was assessed in the context of healthy population screening.

Genetic Services Laboratory, University of Chicago
Classification: Pathogenic. Last evaluated: 2019-08-27. Review status: criteria provided, single submitter. Criteria: ACMG Guidelines, 2015. Collection method: clinical testing. Allele origin: germline. Affected: yes.
Comment: DNA sequence analysis of the HSD17B4 gene demonstrated a sequence change, c.46G>A, in exon 1 that results in an amino acid change, p.Gly16Ser. This sequence change has been reported in multiple individuals with D-bifunctional protein deficiency in both homozygous and compound heterozygous state with another variant (PMID: 25967389, PMID: 9482850, PMID:16385454). It has also been identified in a patient with Perrault syndrome who presented with bilateral progressive sensorineural hearing loss, premature ovarian insufficiency and progressive cerebellar ataxia (PMID: 26970254). This sequence change has been described in the gnomAD database with a low population frequency of 0.038% in non-Finnish European subpopulation; however, it has not been observed in homozygous state in any individuals (dbSNP rs137853096). The p.Gly16Ser change affects a highly conserved amino acid residue located in a domain of the HSD17B4 protein that is known to be functional. This sequence change is located in an important loop of the Rossman fold which forms the binding site for the essential cofactor NAD+ and is predicted to alter the binding site. Expression studies in yeast showed that this mutant causes loss of the 3-hydroxyacyl-CoA dehydrogenase activity, an essential component of d-bifunctional protein (PMID: 9482850). The p.Gly16Ser substitution appears to be deleterious using several in-silico pathogenicity prediction tools (SIFT, PolyPhen2, Align GVGD, REVEL). These collective evidences indicate that this sequence change is pathogenic.

Centre for Mendelian Genomics, University Medical Centre Ljubljana
Classification: Pathogenic for Perrault syndrome 1. Last evaluated: 2019-05-07. Review status: criteria provided, single submitter. Criteria: ACMG Guidelines, 2015. Collection method: clinical testing. Allele origin: unknown. Affected: yes.
Comment: This variant was classified as: Pathogenic. The following ACMG criteria were applied in classifying this variant: PS1,PS3,PM2,PP3.

Illumina Laboratory Services, Illumina
Classification: Pathogenic for HSD17B4-Related Disorders. Last evaluated: 2018-10-16. Review status: criteria provided, single submitter. Criteria: ICSL Variant Classification Criteria 09 May 2019. Collection method: clinical testing. Allele origin: germline.
Comment: The HSD17B4 c.46G>A (p.Gly16Ser) missense variant has been reported in at least five studies and has been identified in at least 29 probands with peroxisomal bifunctional enzyme deficiency, including in 26 individuals in a homozygous state and in three individuals in a compound heterozygous state (van Grunsven et al. 1998; van Grunsven et al. 1999; Ferdinandusse et al. 2006; KonkoÄ¾ovÃ¡ et al. 2015). The variant was also identified in a compound heterozygous state with a missense variant in one individual with Perrault syndrome (Demain et al. 2016). Control data are unavailable for this variant, which is reported at a frequency of 0.000391 in the European (non-Finnish) population of the Genome Aggregation Database. The p.Gly16Ser variant is located at a conserved residue in a loop affecting the binding site of the dehydrogenase region of the protein. Functional studies in yeast expressing the variant and wild type protein showed loss of 3-hydroxyacyl-CoA dehydrogenase activity, but did not affect the enoyl-CoA hydratase activity (van Grunsven et al. 1998). Based on the collective evidence, the p.Gly16Ser variant is classified as pathogenic for HSD17B4-related disorders. This variant was observed by ICSL as part of a predisposition screen in an ostensibly healthy population.

Eurofins Ntd Llc (ga)
Classification: Pathogenic. Last evaluated: 2017-06-19. Review status: criteria provided, single submitter. Criteria: EGL Classification Definitions 2015. Collection method: clinical testing. Allele origin: germline. Observed: 4 variant alleles, 4 heterozygotes.

Women's Health and Genetics/Laboratory Corporation of America, LabCorp
Classification: Pathogenic for Bifunctional peroxisomal enzyme deficiency. Last evaluated: 2016-09-02. Review status: criteria provided, single submitter. Criteria: LabCorp Variant Classification Summary - May 2015. Collection method: clinical testing. Allele origin: germline.
Comment: Variant summary: The c.46G>A (p.Gly16Ser) in HSD17B4 gene is a missense change that involves a conserved nucleotide and 5/5 in silico tools predict deleterious outcome. The variant of interest is located within the dehydrogenase domain and mutations were proven to lead to inactivation of the 3-hydroxyacyl-CoA dehydrogenase component. The variant is present in the large control population dataset of ExAC at a low frequency 0.0002 (27/121004 chrs tested), which does not exceed the maximal expected frequency of a pathogenic allele (0.0029) in this gene. The variant has been reported in multiple affected individuals in homozygous and compound heterozygous state from and was proven to segregate with the disease reputable databases/clinical laboratories classified this variant as Pathogenic. The c.46G>A is widely accepted to be one of the most common pathogenic variants to cause D-BPD. Taken together, the variant was classified as Pathogenic.

UNC Molecular Genetics  Laboratory, University of North Carolina at Chapel Hill
Classification: Likely pathogenic for Bifunctional peroxisomal enzyme deficiency. Review status: criteria provided, single submitter. Criteria: ACMG Guidelines, 2015. Collection method: research. Allele origin: germline. Observed: 1 variant allele. Study: CSER_NCGENES_2.
Comment: HSD17B4 c.46G>A is predicted to result in a single amino acid change from glycine to serine. It is the most common pathogenic variant associated with DBP deficiency and has been reported in over 30 individuals with DBP deficiency (PMID:9482850; 16385454; 25967389; 26970254).

PreventionGenetics, part of Exact Sciences
Classification: Pathogenic for HSD17B4-related condition. Last evaluated: 2024-06-11. Review status: no assertion criteria provided. Collection method: clinical testing. Allele origin: germline. Not counted in ClinVar's aggregate classification.
Comment: The HSD17B4 c.46G>A variant is predicted to result in the amino acid substitution p.Gly16Ser. This variant is known to be causative for D-bifunctional protein deficiency and Perrault syndrome, with functional experiments showing this results in inactive dehydrogenase enzymatic activity (van Grunsven et al. 1998. PubMed ID: 9482850; Demain et al. 2016. PubMed ID: 26970254; Pronicka et al. 2016. PubMed ID: 27290639). This variant is reported in 0.038% of alleles in individuals of European (Non-Finnish) descent in gnomAD. This variant is interpreted as pathogenic.

OMIM
Classification: Pathogenic for D-BIFUNCTIONAL PROTEIN DEFICIENCY. Last evaluated: 1999-01-01. Review status: no assertion criteria provided. Collection method: literature only. Allele origin: germline. Not counted in ClinVar's aggregate classification.

Clinical Genetics DNA and cytogenetics Diagnostics Lab, Erasmus MC, Erasmus Medical Center
Classification: Pathogenic. Review status: no assertion criteria provided. Collection method: clinical testing. Allele origin: germline. Affected: yes. Study: VKGL Data-share Consensus. Not counted in ClinVar's aggregate classification.

Diagnostic Laboratory, Department of Genetics, University Medical Center Groningen
Classification: Pathogenic. Review status: no assertion criteria provided. Collection method: clinical testing. Allele origin: germline. Affected: yes. Study: VKGL Data-share Consensus. Not counted in ClinVar's aggregate classification.

GeneReviews
No classification provided. Condition: Perrault syndrome. Review status: no classification provided. Collection method: literature only. Allele origin: germline. Not counted in ClinVar's aggregate classification.
Comment: The most common pathogenic variant causing D-bifunctional protein deficiency.

Genome Diagnostics Laboratory, Amsterdam University Medical Center
Classification: Likely pathogenic. Review status: no assertion criteria provided. Collection method: clinical testing. Allele origin: germline. Affected: yes. Study: VKGL Data-share Consensus. Not counted in ClinVar's aggregate classification.

Joint Genome Diagnostic Labs from Nijmegen and Maastricht, Radboudumc and MUMC+
Classification: Pathogenic. Review status: no assertion criteria provided. Collection method: clinical testing. Allele origin: germline. Affected: yes. Study: VKGL Data-share Consensus. Not counted in ClinVar's aggregate classification.

Literature cited by the submitters: PubMed 9482850 (cited by 11 submitters); PubMed 16385454 (cited by 7 submitters); PubMed 25967389 (cited by 8 submitters); PubMed 10419023 (cited by 4 submitters); PubMed 10497229 (cited by 4 submitters); PubMed 9915948 (cited by 5 submitters); PubMed 26970254 (cited by 4 submitters).